The following is an entry in ClinVar:

ClinVar aggregate classification (germline): Uncertain significance. Review status: criteria provided, multiple submitters, no conflicts (2 of 4 stars). 2 submissions from 2 submitters: Uncertain significance (2). Last evaluated 2024-03-02.

Conditions:
Fanconi anemia (FA). Also called: Fanconi's anemia. Identifiers: Orphanet 84, MedGen C0015625, MeSH D005199, MONDO:0019391.
Fanconi anemia complementation group A (FANCA). Also called: FANCA-Related Fanconi Anemia; Fanconi anemia, group A. Identifiers: Orphanet 84, MedGen C3469521, MONDO:0009215, OMIM 227650.

Allele frequency attached by ClinVar (database versions not stated): gnomAD exomes below 0.00001.
gnomAD v4.1: 5 of 1,613,718 alleles (0.00031%); highest among the groups gnomAD compares: Middle Eastern, 0.017%; no homozygotes.

Submissions (2):

Fulgent Genetics
Classification: Uncertain significance for Fanconi anemia complementation group A. Last evaluated: 2024-03-02. Review status: criteria provided, single submitter. Criteria: ACMG Guidelines, 2015. Collection method: clinical testing. Allele origin: germline.

Labcorp Genetics (formerly Invitae), Labcorp
Classification: Uncertain significance for Fanconi anemia. Last evaluated: 2023-12-07. Review status: criteria provided, single submitter. Criteria: Invitae Variant Classification Sherloc (09022015). Collection method: clinical testing. Allele origin: germline.
Comment: This sequence change replaces leucine, which is neutral and non-polar, with phenylalanine, which is neutral and non-polar, at codon 1082 of the FANCA protein (p.Leu1082Phe). This variant is not present in population databases (gnomAD no frequency). This missense change has been observed in individual(s) with clinical features of Fanconi anemia (PMID: 10807541). ClinVar contains an entry for this variant (Variation ID: 1355637). Advanced modeling of protein sequence and biophysical properties (such as structural, functional, and spatial information, amino acid conservation, physicochemical variation, residue mobility, and thermodynamic stability) performed at Invitae indicates that this missense variant is expected to disrupt FANCA protein function with a positive predictive value of 80%. In summary, the available evidence is currently insufficient to determine the role of this variant in disease. Therefore, it has been classified as a Variant of Uncertain Significance.

Literature cited by the submitters: PubMed 10807541 (cited by Labcorp Genetics (formerly Invitae), Labcorp).

NM_000135.4(FANCA):c.3244C>T (p.Leu1082Phe)

Gene: FANCA (FA complementation group A; minus strand). Cytogenetic location: 16q24.3.
Variant type: single nucleotide variant.
Coding change: c.3244C>T on transcript NM_000135.4 (MANE Select); coding-DNA position 3244, C replaced by T.
Protein change: p.Leu1082Phe; replaces leucine 1082 with phenylalanine.
Molecular consequence: missense variant.
Genome position (GRCh38, 1-based): chr16:89,748,763, G>A on the plus strand (C>T on the coding strand, the complement: FANCA is on the minus strand). VCF-style: chr16-89748763-G-A. GRCh37 (hg19) VCF-style: chr16-89815171-G-A.
Other names: c.3244C>T, p.Leu1082Phe (NM_001286167.3); short protein forms L1082F.
Identifiers: ClinVar variation 1355637 (VCV001355637.7), dbSNP rs2038477938, ClinGen allele CA397486396.